The following is an entry in ClinVar:

NM_007294.4(BRCA1):c.3731_3743del (p.His1244fs)

Genes: BRCA1 (BRCA1 DNA repair associated; minus strand), LOC126862571 (BRD4-independent group 4 enhancer GRCh37_chr17:41243136-41244335; plus strand). Cytogenetic location: 17q21.31.
Variant type: Deletion.
Coding change: c.3731_3743del on transcript NM_007294.4 (MANE Select); coding-DNA positions 3731 to 3743, 13 bases deleted (ATAGCACCGTTGC).
Protein change: p.His1244fs; shifts the reading frame from histidine 1244.
Molecular consequence: frameshift variant. On other transcripts: intron variant (135).
Genome position (GRCh38, 1-based): chr17:43,091,788-43,091,800, GCAACGGTGCTAT deleted on the plus strand (ATAGCACCGTTGC on the coding strand, the reverse complement: BRCA1 is on the minus strand); deleting any 13 consecutive bases within chr17:43,091,788-43,091,802 gives the same sequence; the c. name uses the placement nearest the transcript's 3' end. VCF-style (leftmost placement, unchanged base first): chr17-43091787-AGCAACGGTGCTAT-A. GRCh37 (hg19) VCF-style: chr17-41243804-AGCAACGGTGCTAT-A.
Other names: 3850_3862del13; c.3728_3740del, p.His1243fs (NM_001407633.1, NM_001407634.1, NM_001407635.1 and 22 more transcripts); c.3731_3743del, p.His1244fs (NM_001407639.1, NM_001407652.1, NM_001407854.1 and 30 more transcripts); c.3653_3665del, p.His1218fs (NM_001407653.1, NM_001407654.1, NM_001407655.1 and 4 more transcripts); c.3650_3662del, p.His1217fs (NM_001407659.1, NM_001407660.1, NM_001407661.1 and 1 more transcripts); c.3608_3620del, p.His1203fs (NM_001407669.1, NM_001407674.1, NM_001407675.1 and 19 more transcripts); c.3605_3617del, p.His1202fs (NM_001407670.1, NM_001407671.1, NM_001407672.1 and 11 more transcripts); c.3590_3602del, p.His1197fs (NM_001407692.1, NM_001407694.1, NM_001407729.1 and 29 more transcripts); and 43 more; short protein forms H1197fs, H1244fs, H1117fs, H1174fs, H1196fs, H1217fs, H1218fs, H1241fs.
Identifiers: ClinVar variation 266402 (VCV000266402.7), dbSNP rs886040162, ClinGen allele CA10589727.

ClinVar aggregate classification (germline): Pathogenic. Review status: reviewed by expert panel (3 of 4 stars). 2 submissions from 2 submitters: Pathogenic (1). 1 of the submissions does not count toward it. Last evaluated 2016-10-18.

Conditions:
Breast-ovarian cancer, familial, susceptibility to, 1 (BROVCA1). Also called: BRCA1 Hereditary Breast and Ovarian Cancer; OVARIAN CANCER, SUSCEPTIBILITY TO. Identifiers: Orphanet 145, MedGen C2676676, MONDO:0011450, OMIM 604370. Disease mechanism: loss of function.

Submissions (2):

Evidence-based Network for the Interpretation of Germline Mutant Alleles (ENIGMA)
Classification: Pathogenic for Breast-ovarian cancer, familial, susceptibility to, 1. Last evaluated: 2016-10-18. Review status: reviewed by expert panel. Criteria: ENIGMA BRCA1/2 Classification Criteria (2015). Collection method: curation. Allele origin: germline.
Comment: Variant allele predicted to encode a truncated non-functional protein.

Consortium of Investigators of Modifiers of BRCA1/2 (CIMBA), c/o University of Cambridge
Classification: Pathogenic for Breast-ovarian cancer, familial, susceptibility to, 1. Last evaluated: 2015-10-02. Review status: criteria provided, single submitter. Criteria: CIMBA Mutation Classification guidelines May 2016. Collection method: clinical testing. Allele origin: germline. Not counted in ClinVar's aggregate classification.